The following is an entry in ClinVar:

NM_000478.6(ALPL):c.500C>A (p.Thr167Lys)

Gene: ALPL (alkaline phosphatase, biomineralization associated; plus strand). Cytogenetic location: 1p36.12.
Variant type: single nucleotide variant.
Coding change: c.500C>A on transcript NM_000478.6 (MANE Select); coding-DNA position 500, C replaced by A.
Protein change: p.Thr167Lys; replaces threonine 167 with lysine.
Molecular consequence: missense variant.
Genome position (GRCh38, 1-based): chr1:21,564,068, C>A. VCF-style: chr1-21564068-C-A. GRCh37 (hg19) VCF-style: chr1-21890561-C-A.
Other names: c.335C>A, p.Thr112Lys (NM_001127501.4); c.269C>A, p.Thr90Lys (NM_001177520.3); c.500C>A, p.Thr167Lys (NM_001369803.2, NM_001369804.2, NM_001369805.2); short protein forms T112K, T167K, T90K.
Identifiers: ClinVar variation 975889 (VCV000975889.3), dbSNP rs1408325840, ClinGen allele CA338877787.

ClinVar aggregate classification (germline): Likely pathogenic. Review status: criteria provided, multiple submitters, no conflicts (2 of 4 stars). 2 submissions from 2 submitters: Likely pathogenic (2). Last evaluated 2025-01-15.

Conditions:
Adult hypophosphatasia. Identifiers: Orphanet 247676, Orphanet 436, MedGen C0268413, MONDO:1010154, OMIM 146300, MONDO:0007798.

Submissions (2):

Labcorp Genetics (formerly Invitae), Labcorp
Classification: Likely pathogenic. Last evaluated: 2025-01-15. Review status: criteria provided, single submitter. Criteria: Invitae Variant Classification Sherloc (09022015). Collection method: clinical testing. Allele origin: germline.
Comment: This sequence change replaces threonine, which is neutral and polar, with lysine, which is basic and polar, at codon 167 of the ALPL protein (p.Thr167Lys). This variant is not present in population databases (gnomAD no frequency). This variant has not been reported in the literature in individuals affected with ALPL-related conditions. ClinVar contains an entry for this variant (Variation ID: 975889). Invitae Evidence Modeling of protein sequence and biophysical properties (such as structural, functional, and spatial information, amino acid conservation, physicochemical variation, residue mobility, and thermodynamic stability) indicates that this missense variant is expected to disrupt ALPL protein function with a positive predictive value of 95%. This variant disrupts the p.Thr167 amino acid residue in ALPL. Other variant(s) that disrupt this residue have been determined to be pathogenic (PMID: 16583935, 25731960; internal data). This suggests that this residue is clinically significant, and that variants that disrupt this residue are likely to be disease-causing. In summary, the currently available evidence indicates that the variant is pathogenic, but additional data are needed to prove that conclusively. Therefore, this variant has been classified as Likely Pathogenic.

Institute of Human Genetics, University of Leipzig Medical Center
Classification: Likely pathogenic for Adult hypophosphatasia. Last evaluated: 2018-08-14. Review status: criteria provided, single submitter. Criteria: ACMG Guidelines, 2015. Collection method: clinical testing. Allele origin: germline. Affected: yes. Observed: 1 variant allele.

Literature cited by the submitters: PubMed 16583935 (cited by Labcorp Genetics (formerly Invitae), Labcorp); PubMed 25731960 (cited by Labcorp Genetics (formerly Invitae), Labcorp).